The following is an entry in ClinVar:

NM_001999.4(FBN2):c.3281G>A (p.Gly1094Glu)

Gene: FBN2 (fibrillin 2; minus strand). Cytogenetic location: 5q23.3.
Variant type: single nucleotide variant.
Coding change: c.3281G>A on transcript NM_001999.4 (MANE Select); coding-DNA position 3281, G replaced by A.
Protein change: p.Gly1094Glu; replaces glycine 1094 with glutamic acid.
Molecular consequence: missense variant.
Genome position (GRCh38, 1-based): chr5:128,344,447, C>T on the plus strand (G>A on the coding strand, the complement: FBN2 is on the minus strand). VCF-style: chr5-128344447-C-T. GRCh37 (hg19) VCF-style: chr5-127680139-C-T.
Other names: short protein forms G1094E.
Identifiers: ClinVar variation 213304 (VCV000213304.2), dbSNP rs863223563, ClinGen allele CA320837.
Genomic context (GRCh38, chr5:128,344,447, plus strand): 5'-GTGCAGTTTCTTTCCTCCATGTCTAGAGCAAAGCCACTATTGCAACGGCATTTGAAGCTT[C>T]CGATTGTATTTCTGCACTTCCCATAAGTGCACATCCCAGGAAATGCTTTGCATTCATTGA-3'
Protein context (NP_001990.2, residues 1084-1104): CTYGKCRNTI[Gly1094Glu]SFKCRCNSGF

ClinVar aggregate classification (germline): Uncertain significance (1 of 4 stars; one submission).

Submission:

GeneDx
Classification: Uncertain significance. Last evaluated: 2018-03-16. Review status: criteria provided, single submitter. Criteria: GeneDx Variant Classification (06012015). Collection method: clinical testing. Allele origin: germline. Affected: yes.
Comment: The G1094E variant of uncertain significance in the FBN2 gene has not been published as pathogenic or been reported as benign to our knowledge. The G1094E variant is not observed in large population cohorts (Lek et al., 2016). The G1094E variant is a non-conservative amino acid substitution, which is likely to impact secondary protein structure as these residues differ in polarity, charge, size and/or other properties. Furthermore, in-silico analyses, including protein predictors and evolutionary conservation, support a deleterious effect. Nevertheless, although G1094E resides in a calcium-binding EGF-like domain, it does not affect a Cysteine. Cysteine substitutions in the calcium-binding EGF-like domains represent the majority of pathogenic missense changes associated with FBN2-related disorders (Collod-Beroud et al., 2003; FrÃ©dÃ©ric et al., 2009).